The following is an entry in ClinVar:

ClinVar aggregate classification (germline): Uncertain significance (1 of 4 stars; one submission).

Conditions:
Hereditary nonpolyposis colorectal neoplasms. Identifiers: MedGen C0009405, MeSH D003123.

Submission:

Labcorp Genetics (formerly Invitae), Labcorp
Classification: Uncertain significance for Hereditary nonpolyposis colorectal neoplasms. Last evaluated: 2019-02-12. Review status: criteria provided, single submitter. Criteria: Invitae Variant Classification Sherloc (09022015). Collection method: clinical testing. Allele origin: germline.
Comment: In summary, the available evidence is currently insufficient to determine the role of this variant in disease. Therefore, it has been classified as a Variant of Uncertain Significance. Algorithms developed to predict the effect of missense changes on protein structure and function (SIFT, PolyPhen-2, Align-GVGD) all suggest that this variant is likely to be disruptive, but these predictions have not been confirmed by published functional studies and their clinical significance is uncertain. This variant has not been reported in the literature in individuals with MSH6-related conditions. This variant is not present in population databases (ExAC no frequency). This sequence change replaces arginine with glycine at codon 841 of the MSH6 protein (p.Arg841Gly). The arginine residue is highly conserved and there is a moderate physicochemical difference between arginine and glycine.

NM_000179.3(MSH6):c.2521A>G (p.Arg841Gly)

Gene: MSH6 (mutS homolog 6; plus strand). Cytogenetic location: 2p16.3.
Variant type: single nucleotide variant.
Coding change: c.2521A>G on transcript NM_000179.3 (MANE Select); coding-DNA position 2521, A replaced by G.
Protein change: p.Arg841Gly; replaces arginine 841 with glycine.
Molecular consequence: missense variant.
Genome position (GRCh38, 1-based): chr2:47,800,504, A>G. VCF-style: chr2-47800504-A-G. GRCh37 (hg19) VCF-style: chr2-48027643-A-G.
Other names: c.2131A>G, p.Arg711Gly (NM_001281492.2); c.1615A>G, p.Arg539Gly (NM_001281493.2, NM_001281494.2); short protein forms R711G, R841G, R539G.
Identifiers: ClinVar variation 849940 (VCV000849940.10), dbSNP rs1669474025, ClinGen allele CA346754377.